The following is an entry in ClinVar:

ClinVar aggregate classification (germline): Pathogenic (1 of 4 stars; one submission).

Conditions:
Cohen syndrome (COH1). Also called: PEPPER SYNDROME; Cutis verticis gyrata, retinitis pigmentosa, and sensorineural deafness. Identifiers: Orphanet 193, MedGen C0265223, MONDO:0008999, OMIM 216550.

Submission:

Myriad Genetics, Inc.
Classification: Pathogenic for Cohen syndrome. Last evaluated: 2026-06-23. Review status: criteria provided, single submitter. Criteria: Myriad Autosomal Dominant, Autosomal Recessive and X-Linked Classification Criteria (2023). Collection method: clinical testing. Allele origin: unknown.
Comment: NM_017890.4(VPS13B):c.10234_10245del12ins2(L3412Vfs*40) is a frameshift variant classified as pathogenic in the context of Cohen syndrome. L3412Vfs*40 has not been observed in cases with relevant disease. Relevant functional assessments of this variant are not available in the literature. L3412Vfs*40 has not been observed in referenced population frequency databases. In summary, NM_017890.4(VPS13B):c.10234_10245del12ins2(L3412Vfs*40) is a frameshift variant in a gene where loss of function is a known mechanism of disease and is predicted to disrupt protein function. Please note: this variant was assessed in the context of healthy population screening.

NM_152564.5(VPS13B):c.10159_10170delinsGT (p.Leu3387fs)

Gene: VPS13B (vacuolar protein sorting 13 homolog B; plus strand). Cytogenetic location: 8q22.2.
Variant type: Indel.
Coding change: c.10159_10170delinsGT on transcript NM_152564.5 (MANE Select); coding-DNA positions 10159 to 10170, CTGAGACTCACA replaced by GT.
Protein change: p.Leu3387fs; shifts the reading frame from leucine 3387.
Molecular consequence: frameshift variant.
Genome position (GRCh38, 1-based): chr8:99,853,548-99,853,559, CTGAGACTCACA replaced by GT. VCF-style: chr8-99853548-CTGAGACTCACA-GT. GRCh37 (hg19) VCF-style: chr8-100865776-CTGAGACTCACA-GT.
Other names: c.10234_10245delinsGT, p.Leu3412fs (NM_017890.5); short protein forms L3412fs, L3387fs.
Identifiers: ClinVar variation 5004749 (VCV005004749.1).